The following is an entry in ClinVar:

ClinVar aggregate classification (germline): Conflicting classifications of pathogenicity. Review status: criteria provided, conflicting classifications (1 of 4 stars). 6 submissions from 6 submitters: Uncertain significance (2); Likely benign (3). 1 of the submissions does not count toward it. Last evaluated 2025-12-29.

Conditions:
Hereditary cancer-predisposing syndrome. Also called: Tumor predisposition; Hereditary neoplastic syndrome; Hereditary Cancer Syndrome; Neoplastic Syndromes, Hereditary. Identifiers: Orphanet 140162, MedGen C0027672, MeSH D009386, MONDO:0015356.
Hereditary breast ovarian cancer syndrome. Also called: Hereditary breast and/or ovarian cancer syndrome; Breast and ovarian cancer; Hereditary breast and ovarian cancer syndrome; Hereditary breast and ovarian cancer; Hereditary breast and ovarian cancer syndrome (HBOC); BRCA1- and BRCA2-Associated Hereditary Breast and Ovarian Cancer. Identifiers: Orphanet 145, MedGen C0677776, MeSH D061325, MONDO:0003582. Disease mechanism: loss of function.
Breast-ovarian cancer, familial, susceptibility to, 1 (BROVCA1). Also called: BRCA1 Hereditary Breast and Ovarian Cancer; OVARIAN CANCER, SUSCEPTIBILITY TO. Identifiers: Orphanet 145, MedGen C2676676, MONDO:0011450, OMIM 604370. Disease mechanism: loss of function.

Allele frequency attached by ClinVar (database versions not stated): gnomAD exomes below 0.00001; ExAC 0.00001.
gnomAD v4.1: 1 of 1,614,230 alleles (0.000062%); highest among the groups gnomAD compares: South Asian, 0.0011%; no homozygotes.

Submissions (6):

Center for Genomic Medicine, Rigshospitalet, Copenhagen University Hospital
Classification: Likely benign. Last evaluated: 2025-12-29. Review status: criteria provided, single submitter. Criteria: ACMG Guidelines, 2015. Collection method: clinical testing. Allele origin: germline.
Comment: Classification criteria: BP1_Strong

Color Diagnostics, LLC DBA Color Health
Classification: Uncertain significance for Hereditary cancer-predisposing syndrome. Last evaluated: 2024-01-02. Review status: criteria provided, single submitter. Criteria: ACMG Guidelines, 2015. Collection method: clinical testing. Allele origin: germline.
Comment: This missense variant replaces threonine with alanine at codon 1246 of the BRCA1 protein. Computational prediction suggests that this variant may not impact protein structure and function. To our knowledge, functional studies have not been reported for this variant. This variant has not been reported in individuals affected with hereditary cancer in the literature. This variant has been identified in 1/251274 chromosomes in the general population by the Genome Aggregation Database (gnomAD). The available evidence is insufficient to determine the role of this variant in disease conclusively. Therefore, this variant is classified as a Variant of Uncertain Significance.

Labcorp Genetics (formerly Invitae), Labcorp
Classification: Uncertain significance for Hereditary breast ovarian cancer syndrome. Last evaluated: 2023-08-01. Review status: criteria provided, single submitter. Criteria: Invitae Variant Classification Sherloc (09022015). Collection method: clinical testing. Allele origin: germline.
Comment: In summary, the available evidence is currently insufficient to determine the role of this variant in disease. Therefore, it has been classified as a Variant of Uncertain Significance. Advanced modeling of protein sequence and biophysical properties (such as structural, functional, and spatial information, amino acid conservation, physicochemical variation, residue mobility, and thermodynamic stability) performed at Invitae indicates that this missense variant is not expected to disrupt BRCA1 protein function. ClinVar contains an entry for this variant (Variation ID: 156192). This variant has not been reported in the literature in individuals affected with BRCA1-related conditions. This variant is present in population databases (rs587776488, gnomAD 0.003%). This sequence change replaces threonine, which is neutral and polar, with alanine, which is neutral and non-polar, at codon 1246 of the BRCA1 protein (p.Thr1246Ala).

University of Washington Department of Laboratory Medicine, University of Washington
Classification: Likely benign for Hereditary cancer-predisposing syndrome. Last evaluated: 2023-03-23. Review status: criteria provided, single submitter. Criteria: Dines et al. (Genet Med. 2020). Collection method: curation. Allele origin: germline.
Comment: Missense variant in a coldspot region where missense variants are very unlikely to be pathogenic (PMID:31911673).

BRCA1 coldspot (exon 11 using historical exon numbering). Reclassification based on statistical prior probability

Ambry Genetics
Classification: Likely benign for Hereditary cancer-predisposing syndrome. Last evaluated: 2019-11-12. Review status: criteria provided, single submitter. Criteria: Ambry Variant Classification Scheme 2023. Collection method: clinical testing. Allele origin: germline.

Sharing Clinical Reports Project (SCRP)
Classification: Uncertain significance for Breast-ovarian cancer, familial 1. Last evaluated: 2011-02-15. Review status: no assertion criteria provided. Collection method: clinical testing. Allele origin: germline. Not counted in ClinVar's aggregate classification.

NM_007294.4(BRCA1):c.3736A>G (p.Thr1246Ala)

Genes: BRCA1 (BRCA1 DNA repair associated; minus strand), LOC126862571 (BRD4-independent group 4 enhancer GRCh37_chr17:41243136-41244335; plus strand). Cytogenetic location: 17q21.31.
Variant type: single nucleotide variant.
Coding change: c.3736A>G on transcript NM_007294.4 (MANE Select); coding-DNA position 3736, A replaced by G.
Protein change: p.Thr1246Ala; replaces threonine 1246 with alanine.
Molecular consequence: missense variant. On other transcripts: intron variant (135).
Genome position (GRCh38, 1-based): chr17:43,091,795, T>C on the plus strand (A>G on the coding strand, the complement: BRCA1 is on the minus strand). VCF-style: chr17-43091795-T-C. GRCh37 (hg19) VCF-style: chr17-41243812-T-C.
Other names: 3855A>G; c.3526A>G, p.Thr1176Ala (NM_001407902.1, NM_001407904.1, NM_001407906.1 and 13 more transcripts); c.3523A>G, p.Thr1175Ala (NM_001407915.1, NM_001407916.1, NM_001407917.1 and 9 more transcripts); c.3613A>G, p.Thr1205Ala (NM_001407919.1, NM_001407937.1, NM_001407938.1 and 19 more transcripts); c.3472A>G, p.Thr1158Ala (NM_001407920.1, NM_001407921.1, NM_001407922.1 and 9 more transcripts); c.3469A>G, p.Thr1157Ala (NM_001407930.1, NM_001407931.1, NM_001407932.1 and 2 more transcripts); c.3610A>G, p.Thr1204Ala (NM_001407940.1, NM_001407941.1, NM_001407649.1 and 11 more transcripts); c.3595A>G, p.Thr1199Ala (NM_001407942.1, NM_001407944.1, NM_001407945.1 and 29 more transcripts); and 42 more; short protein forms T1246A, T1199A, T1118A, T1134A, T1135A, T1205A, T1119A, T1158A.
Identifiers: ClinVar variation 156192 (VCV000156192.16), dbSNP rs587776488, ClinGen allele CA002394.
Genomic context (GRCh38, chr17:43,091,795, plus strand): 5'-TATTCTTCAATGATAATAAATTCTCCTCTGTGTTCTTAGACAGACACTCGGTAGCAACGG[T>C]GCTATGCCTAGTAGACTGAGAAGGTATATTGTTTACTTTACCAAATAACAAGTGTTGGAA-3'
Protein context (NP_009225.1, residues 1236-1256): NIPSQSTRHS[Thr1246Ala]VATECLSKNT